The following is an entry in ClinVar:

ClinVar aggregate classification (germline): Uncertain significance (1 of 4 stars; one submission).

Submission:

Labcorp Genetics (formerly Invitae), Labcorp
Classification: Uncertain significance. Last evaluated: 2021-08-26. Review status: criteria provided, single submitter. Criteria: Invitae Variant Classification Sherloc (09022015). Collection method: clinical testing. Allele origin: germline.
Comment: In summary, the available evidence is currently insufficient to determine the role of this variant in disease. Therefore, it has been classified as a Variant of Uncertain Significance. Algorithms developed to predict the effect of sequence changes on RNA splicing suggest that this variant is not likely to affect RNA splicing. This variant has not been reported in the literature in individuals affected with CERKL-related conditions. This variant is not present in population databases (ExAC no frequency). This sequence change affects codon 299 of the CERKL mRNA. It is a 'silent' change, meaning that it does not change the encoded amino acid sequence of the CERKL protein. It affects a nucleotide within the consensus splice site of the intron.

NM_201548.5(CERKL):c.819A>C (p.Ala273=)

Gene: CERKL (CERK like autophagy regulator; minus strand). Cytogenetic location: 2q31.3.
Variant type: single nucleotide variant.
Coding change: c.819A>C on transcript NM_201548.5 (MANE Select); coding-DNA position 819, A replaced by C.
Protein change: p.Ala273=; no amino-acid change (alanine 273 retained).
Molecular consequence: synonymous variant. On other transcripts: non-coding transcript variant (2), intron variant (2).
Genome position (GRCh38, 1-based): chr2:181,558,567, T>G on the plus strand (A>C on the coding strand, the complement: CERKL is on the minus strand). VCF-style: chr2-181558567-T-G. GRCh37 (hg19) VCF-style: chr2-182423294-T-G.
Other names: c.897A>C, p.Ala299= (NM_001030311.3); c.765A>C, p.Ala255= (NM_001160277.2); c.482-8859A>C (NM_001030312.3); c.614-8859A>C (NM_001030313.3).
Identifiers: ClinVar variation 1442350 (VCV001442350.6), dbSNP rs1315025579, ClinGen allele CA430407605.